The following is an entry in ClinVar:

NM_001004334.4(GPR179):c.1296+4A>G

Gene: GPR179 (G protein-coupled receptor 179; minus strand). Cytogenetic location: 17q12.
Variant type: single nucleotide variant.
Coding change: c.1296+4A>G on transcript NM_001004334.4 (MANE Select); 4 bases into the intron after coding-DNA position 1296, A replaced by G.
Molecular consequence: intron variant.
Genome position (GRCh38, 1-based): chr17:38,336,072, T>C on the plus strand (A>G on the coding strand, the complement: GPR179 is on the minus strand). VCF-style: chr17-38336072-T-C. GRCh37 (hg19) VCF-style: chr17-36491955-T-C.
Identifiers: ClinVar variation 2048330 (VCV002048330.4), dbSNP rs949716747, ClinGen allele CA290109036.

ClinVar aggregate classification (germline): Uncertain significance (1 of 4 stars; one submission).

Allele frequency attached by ClinVar (database versions not stated): gnomAD exomes below 0.00001.

Submission:

Labcorp Genetics (formerly Invitae), Labcorp
Classification: Uncertain significance. Last evaluated: 2022-09-12. Review status: criteria provided, single submitter. Criteria: Invitae Variant Classification Sherloc (09022015). Collection method: clinical testing. Allele origin: germline.
Comment: This sequence change falls in intron 5 of the GPR179 gene. It does not directly change the encoded amino acid sequence of the GPR179 protein. It affects a nucleotide within the consensus splice site. This variant is present in population databases (no rsID available, gnomAD 0.003%). This variant has not been reported in the literature in individuals affected with GPR179-related conditions. In summary, the available evidence is currently insufficient to determine the role of this variant in disease. Therefore, it has been classified as a Variant of Uncertain Significance. Variants that disrupt the consensus splice site are a relatively common cause of aberrant splicing (PMID: 17576681, 9536098). Algorithms developed to predict the effect of sequence changes on RNA splicing suggest that this variant may disrupt the consensus splice site.

Literature cited by the submitters: PubMed 17576681; PubMed 9536098.